The following is an entry in ClinVar:

NM_019087.3(ARL15):c.15A>G (p.Arg5=)

Gene: ARL15 (ARF like GTPase 15; minus strand). Cytogenetic location: 5q11.2.
Variant type: single nucleotide variant.
Coding change: c.15A>G on transcript NM_019087.3 (MANE Select); coding-DNA position 15, A replaced by G.
Protein change: p.Arg5=; no amino-acid change (arginine 5 retained).
Molecular consequence: synonymous variant.
Genome position (GRCh38, 1-based): chr5:54,310,465, T>C on the plus strand (A>G on the coding strand, the complement: ARL15 is on the minus strand). VCF-style: chr5-54310465-T-C. GRCh37 (hg19) VCF-style: chr5-53606295-T-C.
Identifiers: ClinVar variation 3060130 (VCV003060130.2), dbSNP rs35941, ClinGen allele CA3264563.

ClinVar aggregate classification (germline): Benign (0 of 4 stars; one submission).

Conditions:
ARL15-related disorder. Also called: ARL15-related condition.

Allele frequency attached by ClinVar (database versions not stated): 1000 Genomes Project 0.82648; ExAC 0.82985; 1000 Genomes Project 30x 0.83260; gnomAD exomes 0.83628; TOPMed 0.85499; gnomAD 0.85844; ESP Exome Variant Server 0.87209.
gnomAD v4.1: 1,346,798 of 1,607,190 alleles (84%); highest among the groups gnomAD compares: African/African-American, 93%; 565,559 homozygotes.

Submission:

PreventionGenetics, part of Exact Sciences
Classification: Benign for ARL15-related condition. Last evaluated: 2019-10-30. Review status: no assertion criteria provided. Collection method: clinical testing. Allele origin: germline.
Comment: This variant is classified as benign based on ACMG/AMP sequence variant interpretation guidelines (Richards et al. 2015 PMID: 25741868, with internal and published modifications).